The following is an entry in ClinVar:

ClinVar aggregate classification (germline): Uncertain significance (1 of 4 stars; one submission).

Submission:

Labcorp Genetics (formerly Invitae), Labcorp
Classification: Uncertain significance. Last evaluated: 2018-08-19. Review status: criteria provided, single submitter. Criteria: Invitae Variant Classification Sherloc (09022015). Collection method: clinical testing. Allele origin: germline.
Comment: In summary, the available evidence is currently insufficient to determine the role of this variant in disease. Therefore, it has been classified as a Variant of Uncertain Significance. Algorithms developed to predict the effect of missense changes on protein structure and function are either unavailable or do not agree on the potential impact of this missense change (SIFT: "Deleterious"; PolyPhen-2: "Benign"; Align-GVGD: "Class C0"). This variant has not been reported in the literature in individuals with CTNNA1-related disease. This variant is not present in population databases (ExAC no frequency). This sequence change replaces aspartic acid with asparagine at codon 185 of the CTNNA1 protein (p.Asp185Asn). The aspartic acid residue is highly conserved and there is a small physicochemical difference between aspartic acid and asparagine.

NM_001903.5(CTNNA1):c.553G>A (p.Asp185Asn)

Gene: CTNNA1 (catenin alpha 1; plus strand). Cytogenetic location: 5q31.2.
Variant type: single nucleotide variant.
Coding change: c.553G>A on transcript NM_001903.5 (MANE Select); coding-DNA position 553, G replaced by A.
Protein change: p.Asp185Asn; replaces aspartic acid 185 with asparagine.
Molecular consequence: missense variant.
Genome position (GRCh38, 1-based): chr5:138,812,267, G>A. VCF-style: chr5-138812267-G-A. GRCh37 (hg19) VCF-style: chr5-138147956-G-A.
Other names: c.553G>A, p.Asp185Asn (NM_001290307.3, NM_001323982.2, NM_001323983.1 and 3 more transcripts); c.244G>A, p.Asp82Asn (NM_001290309.3); c.184G>A, p.Asp62Asn (NM_001290310.3); short protein forms D185N, D62N, D82N.
Identifiers: ClinVar variation 642066 (VCV000642066.8), dbSNP rs1581119583, ClinGen allele CA361125472.